The following is an entry in ClinVar:

ClinVar aggregate classification (germline): Uncertain significance (1 of 4 stars; one submission).

Conditions:
Hyperphosphatasia with impaired intellectual development syndrome 2. Also called: GLYCOSYLPHOSPHATIDYLINOSITOL BIOSYNTHESIS DEFECT 6; Hyperphosphatasia with intellectual disability syndrome 2. Identifiers: Orphanet 247262, MedGen C3553637, MONDO:0013882, OMIM 614749.

Allele frequency attached by ClinVar (database versions not stated): gnomAD exomes below 0.00001 and 0.00001.
gnomAD v4.1: 3 of 1,614,148 alleles (0.00019%); highest among the groups gnomAD compares: Admixed American, 0.005%; no homozygotes.

Submission:

Labcorp Genetics (formerly Invitae), Labcorp
Classification: Uncertain significance for Hyperphosphatasia with impaired intellectual development syndrome 2. Last evaluated: 2022-02-03. Review status: criteria provided, single submitter. Criteria: Invitae Variant Classification Sherloc (09022015). Collection method: clinical testing. Allele origin: germline.
Comment: This sequence change replaces alanine, which is neutral and non-polar, with threonine, which is neutral and polar, at codon 676 of the PIGO protein (p.Ala676Thr). This variant is present in population databases (no rsID available, gnomAD 0.003%). This variant has not been reported in the literature in individuals affected with PIGO-related conditions. ClinVar contains an entry for this variant (Variation ID: 440967). Algorithms developed to predict the effect of missense changes on protein structure and function (SIFT, PolyPhen-2, Align-GVGD) all suggest that this variant is likely to be tolerated. In summary, the available evidence is currently insufficient to determine the role of this variant in disease. Therefore, it has been classified as a Variant of Uncertain Significance.

NM_032634.4(PIGO):c.2026G>A (p.Ala676Thr)

Gene: PIGO (phosphatidylinositol glycan anchor biosynthesis class O; minus strand). Cytogenetic location: 9p13.3.
Variant type: single nucleotide variant.
Coding change: c.2026G>A on transcript NM_032634.4 (MANE Select); coding-DNA position 2026, G replaced by A.
Protein change: p.Ala676Thr; replaces alanine 676 with threonine.
Molecular consequence: missense variant. On other transcripts: intron variant (2).
Genome position (GRCh38, 1-based): chr9:35,091,861, C>T on the plus strand (G>A on the coding strand, the complement: PIGO is on the minus strand). VCF-style: chr9-35091861-C-T. GRCh37 (hg19) VCF-style: chr9-35091858-C-T.
Other names: c.1345-570G>A (NM_152850.4, NM_001201484.2); short protein forms A676T.
Identifiers: ClinVar variation 440967 (VCV000440967.8), dbSNP rs1465665122, ClinGen allele CA373320930.